The following is an entry in ClinVar:

NM_006612.6(KIF1C):c.2167C>T (p.Arg723Cys)

Gene: KIF1C (kinesin family member 1C; plus strand). Cytogenetic location: 17p13.2.
Variant type: single nucleotide variant.
Coding change: c.2167C>T on transcript NM_006612.6 (MANE Select); coding-DNA position 2167, C replaced by T.
Protein change: p.Arg723Cys; replaces arginine 723 with cysteine.
Molecular consequence: missense variant.
Genome position (GRCh38, 1-based): chr17:5,022,248, C>T. VCF-style: chr17-5022248-C-T. GRCh37 (hg19) VCF-style: chr17-4925543-C-T.
Other names: short protein forms R723C.
Identifiers: ClinVar variation 2044038 (VCV002044038.6), dbSNP rs375660983, ClinGen allele CA8319232.

ClinVar aggregate classification (germline): Uncertain significance. Review status: criteria provided, multiple submitters, no conflicts (2 of 4 stars). 2 submissions from 2 submitters: Uncertain significance (2). Last evaluated 2024-05-15.

Conditions:
Inborn genetic diseases. Identifiers: MedGen C0950123, MeSH D030342.
Spastic ataxia 2. Also called: Ataxia, spastic, 2, autosomal recessive. Identifiers: Orphanet 397946, MedGen C1969796, MONDO:0012651, OMIM 611302.

Allele frequency attached by ClinVar (database versions not stated): gnomAD exomes 0.00003; ESP Exome Variant Server 0.00015; ExAC 0.00003; TOPMed 0.00007; gnomAD 0.00011.
gnomAD v4.1: 67 of 1,614,020 alleles (0.0042%); highest among the groups gnomAD compares: African/African-American, 0.015%; no homozygotes.

Submissions (2):

Ambry Genetics
Classification: Uncertain significance for Inborn genetic diseases. Last evaluated: 2024-05-15. Review status: criteria provided, single submitter. Criteria: Ambry Variant Classification Scheme 2023. Collection method: clinical testing. Allele origin: germline.

Labcorp Genetics (formerly Invitae), Labcorp
Classification: Uncertain significance for Spastic ataxia 2. Last evaluated: 2022-11-28. Review status: criteria provided, single submitter. Criteria: Invitae Variant Classification Sherloc (09022015). Collection method: clinical testing. Allele origin: germline.
Comment: This sequence change replaces arginine, which is basic and polar, with cysteine, which is neutral and slightly polar, at codon 723 of the KIF1C protein (p.Arg723Cys). This variant is present in population databases (rs375660983, gnomAD 0.03%). This variant has not been reported in the literature in individuals affected with KIF1C-related conditions. Algorithms developed to predict the effect of missense changes on protein structure and function are either unavailable or do not agree on the potential impact of this missense change (SIFT: "Deleterious"; PolyPhen-2: "Benign"; Align-GVGD: "Class C0"). In summary, the available evidence is currently insufficient to determine the role of this variant in disease. Therefore, it has been classified as a Variant of Uncertain Significance.